The following is an entry in ClinVar:

NM_153676.4(USH1C):c.419A>C (p.Tyr140Ser)

Gene: USH1C (USH1 protein network component harmonin; minus strand). Cytogenetic location: 11p15.1.
Variant type: single nucleotide variant.
Coding change: c.419A>C on transcript NM_153676.4 (MANE Select); coding-DNA position 419, A replaced by C.
Protein change: p.Tyr140Ser; replaces tyrosine 140 with serine.
Molecular consequence: missense variant. On other transcripts: non-coding transcript variant (1).
Genome position (GRCh38, 1-based): chr11:17,527,300, T>G on the plus strand (A>C on the coding strand, the complement: USH1C is on the minus strand). VCF-style: chr11-17527300-T-G. GRCh37 (hg19) VCF-style: chr11-17548847-T-G.
Other names: c.419A>C, p.Tyr140Ser (NM_001297764.2, NM_005709.4); c.419A>C (NM_005709.3); short protein forms Y140S.
Identifiers: ClinVar variation 1380862 (VCV001380862.10), dbSNP rs775231512, ClinGen allele CA5905050.
Genomic context (GRCh38, chr11:17,527,300, plus strand): 5'-ACAGTTTTCTTGGTTCGAATGAGGTTGATGACCTCCTCATGGGTACAGGAGGAGATGGAA[T>G]ATCCATTGATCCGGACGATCTCGTCCCCTACCTTGACCACAGAGAGAGGCAGGGAGCACC-3'
Protein context (NP_710142.1, residues 130-150): VGDEIVRING[Tyr140Ser]SISSCTHEEV

ClinVar aggregate classification (germline): Uncertain significance. Review status: criteria provided, multiple submitters, no conflicts (2 of 4 stars). 4 submissions from 4 submitters: Uncertain significance (4). Last evaluated 2026-06-01.

Conditions:
Inborn genetic diseases. Identifiers: MedGen C0950123, MeSH D030342.

Allele frequency attached by ClinVar (database versions not stated): gnomAD exomes below 0.00001 and 0.00001; ExAC 0.00001; TOPMed 0.00003.
gnomAD v4.1: 9 of 1,612,798 alleles (0.00056%); highest among the groups gnomAD compares: Middle Eastern, 0.017%; no homozygotes.

Submissions (4):

CeGaT Center for Human Genetics Tuebingen
Classification: Uncertain significance. Last evaluated: 2026-06-01. Review status: criteria provided, single submitter. Criteria: CeGaT Center For Human Genetics Tuebingen Variant Classification Criteria Version 2. Collection method: clinical testing. Allele origin: germline. Affected: yes. Observed: 1 variant allele.
Comment: USH1C: PM2

Ambry Genetics
Classification: Uncertain significance for Inborn genetic diseases. Last evaluated: 2025-11-20. Review status: criteria provided, single submitter. Criteria: Ambry Variant Classification Scheme 2023. Collection method: clinical testing. Allele origin: germline.

Labcorp Genetics (formerly Invitae), Labcorp
Classification: Uncertain significance. Last evaluated: 2024-11-11. Review status: criteria provided, single submitter. Criteria: Invitae Variant Classification Sherloc (09022015). Collection method: clinical testing. Allele origin: germline.
Comment: This sequence change replaces tyrosine, which is neutral and polar, with serine, which is neutral and polar, at codon 140 of the USH1C protein (p.Tyr140Ser). This variant is present in population databases (rs775231512, gnomAD 0.0009%). This variant has not been reported in the literature in individuals affected with USH1C-related conditions. ClinVar contains an entry for this variant (Variation ID: 1380862). An algorithm developed to predict the effect of missense changes on protein structure and function (PolyPhen-2) suggests that this variant¬†is likely to be tolerated. In summary, the available evidence is currently insufficient to determine the role of this variant in disease. Therefore, it has been classified as a Variant of Uncertain Significance.

GeneDx
Classification: Uncertain significance. Last evaluated: 2024-05-06. Review status: criteria provided, single submitter. Criteria: GeneDx Variant Classification Process June 2021. Collection method: clinical testing. Allele origin: germline. Affected: yes.
Comment: Not observed at significant frequency in large population cohorts (gnomAD); In silico analysis supports that this missense variant has a deleterious effect on protein structure/function; Has not been previously published as pathogenic or benign to our knowledge